The following is an entry in ClinVar:

ClinVar aggregate classification (germline): Uncertain significance. Review status: criteria provided, multiple submitters, no conflicts (2 of 4 stars). 2 submissions from 2 submitters: Uncertain significance (2). Last evaluated 2023-03-20.

Conditions:
Hereditary cancer-predisposing syndrome. Also called: Hereditary Cancer Syndrome; Tumor predisposition; Neoplastic Syndromes, Hereditary; Hereditary neoplastic syndrome. Identifiers: Orphanet 140162, MedGen C0027672, MeSH D009386, MONDO:0015356.
Hereditary breast ovarian cancer syndrome. Also called: Hereditary breast and ovarian cancer syndrome; Hereditary breast and ovarian cancer; Hereditary breast and ovarian cancer syndrome (HBOC); BRCA1- and BRCA2-Associated Hereditary Breast and Ovarian Cancer; Hereditary breast and/or ovarian cancer syndrome; Breast and ovarian cancer. Identifiers: Orphanet 145, MedGen C0677776, MeSH D061325, MONDO:0003582. Disease mechanism: loss of function.

Submissions (2):

Ambry Genetics
Classification: Uncertain significance for Hereditary cancer-predisposing syndrome. Last evaluated: 2023-03-20. Review status: criteria provided, single submitter. Criteria: Ambry Variant Classification Scheme 2023. Collection method: clinical testing. Allele origin: germline.
Comment: The p.A1623V variant (also known as c.4868C>T), located in coding exon 14 of the BRCA1 gene, results from a C to T substitution at nucleotide position 4868. The alanine at codon 1623 is replaced by valine, an amino acid with similar properties. This amino acid position is not well conserved in available vertebrate species. In addition, the in silico prediction for this alteration is inconclusive. Since supporting evidence is limited at this time, the clinical significance of this alteration remains unclear.

National Health Laboratory Service, Universitas Academic Hospital and University of the Free State
Classification: Uncertain significance for Hereditary breast ovarian cancer syndrome. Last evaluated: 2021-11-16. Review status: criteria provided, single submitter. Criteria: ACMG Guidelines, 2015. Collection method: clinical testing. Allele origin: germline. Affected: yes. Observed: 1 variant allele.

Literature cited by the submitters: DOI 10.3389/fgene.2022.834265 (cited by National Health Laboratory Service, Universitas Academic Hospital and University of the Free State).

NM_007294.4(BRCA1):c.4868C>T (p.Ala1623Val)

Gene: BRCA1 (BRCA1 DNA repair associated; minus strand). Cytogenetic location: 17q21.31.
Variant type: single nucleotide variant.
Coding change: c.4868C>T on transcript NM_007294.4 (MANE Select); coding-DNA position 4868, C replaced by T.
Protein change: p.Ala1623Val; replaces alanine 1623 with valine.
Molecular consequence: missense variant. On other transcripts: non-coding transcript variant (1).
Genome position (GRCh38, 1-based): chr17:43,071,046, G>A on the plus strand (C>T on the coding strand, the complement: BRCA1 is on the minus strand). VCF-style: chr17-43071046-G-A. GRCh37 (hg19) VCF-style: chr17-41223063-G-A.
Other names: NP_009225.1:p.Ala1623Val; c.1292C>T, p.Ala431Val (NM_001408502.1, NM_001408503.1, NM_001408504.1); c.1289C>T, p.Ala430Val (NM_001408505.1); c.1232C>T, p.Ala411Val (NM_001408506.1); c.1229C>T, p.Ala410Val (NM_001408507.1); c.1220C>T, p.Ala407Val (NM_001408508.1); c.1217C>T, p.Ala406Val (NM_001408509.1); c.1178C>T, p.Ala393Val (NM_001408510.1); and 71 more; short protein forms A1576V, A1623V, A1644V, A519V, A1327V, A1469V, A1511V, A1552V.
Identifiers: ClinVar variation 1325655 (VCV001325655.4), dbSNP rs80356862, ClinGen allele CA10591790.
Genomic context (GRCh38, chr17:43,071,046, plus strand): 5'-GTTGAAGCTGTCAATTCTGGCTTCTCCCTGCTCACACTTTCTTCCATTGCATTATACCCA[G>A]CAGTATCAGTAGTATGAGCAGCAGCTGGACTCTGGGCAGATTCTGCAACTTTCAATTGGG-3'
Protein context (NP_009225.1, residues 1613-1633): SPAAAHTTDT[Ala1623Val]GYNAMEESVS